The following is an entry in ClinVar:

NM_014484.5(MOCS3):c.462C>A (p.Cys154Ter)

Gene: MOCS3 (molybdenum cofactor synthesis 3; plus strand). Cytogenetic location: 20q13.13.
Variant type: single nucleotide variant.
Coding change: c.462C>A on transcript NM_014484.5 (MANE Select); coding-DNA position 462, C replaced by A.
Protein change: p.Cys154Ter; replaces cysteine 154 with a stop codon.
Molecular consequence: nonsense.
Genome position (GRCh38, 1-based): chr20:50,959,304, C>A. VCF-style: chr20-50959304-C-A. GRCh37 (hg19) VCF-style: chr20-49575841-C-A.
Other names: short protein forms C154*.
Identifiers: ClinVar variation 2830855 (VCV002830855.3), dbSNP rs1230219628, ClinGen allele CA408983073.

ClinVar aggregate classification (germline): Uncertain significance (1 of 4 stars; one submission).

Submission:

Labcorp Genetics (formerly Invitae), Labcorp
Classification: Uncertain significance. Last evaluated: 2023-08-17. Review status: criteria provided, single submitter. Criteria: Invitae Variant Classification Sherloc (09022015). Collection method: clinical testing. Allele origin: germline.
Comment: In summary, the available evidence is currently insufficient to determine the role of this variant in disease. Therefore, it has been classified as a Variant of Uncertain Significance. Experimental studies and prediction algorithms are not available or were not evaluated, and the functional significance of this variant is currently unknown. This variant has not been reported in the literature in individuals affected with MOCS3-related conditions. This variant is not present in population databases (gnomAD no frequency). This sequence change creates a premature translational stop signal (p.Cys154*) in the MOCS3 gene. While this is not anticipated to result in nonsense mediated decay, it is expected to disrupt the last 307 amino acid(s) of the MOCS3 protein.